The following is an entry in ClinVar:

NM_004944.4(DNASE1L3):c.495C>G (p.Ile165Met)

Gene: DNASE1L3 (deoxyribonuclease 1L3; minus strand). Cytogenetic location: 3p14.3.
Variant type: single nucleotide variant.
Coding change: c.495C>G on transcript NM_004944.4 (MANE Select); coding-DNA position 495, C replaced by G.
Protein change: p.Ile165Met; replaces isoleucine 165 with methionine.
Molecular consequence: missense variant.
Genome position (GRCh38, 1-based): chr3:58,201,048, G>C on the plus strand (C>G on the coding strand, the complement: DNASE1L3 is on the minus strand). VCF-style: chr3-58201048-G-C. GRCh37 (hg19) VCF-style: chr3-58186775-G-C.
Other names: c.405C>G, p.Ile135Met (NM_001256560.2); short protein forms I135M, I165M.
Identifiers: ClinVar variation 732365 (VCV000732365.9), dbSNP rs142361820, ClinGen allele CA2469965.

ClinVar aggregate classification (germline): Likely benign. Review status: criteria provided, multiple submitters, no conflicts (2 of 4 stars). 2 submissions from 2 submitters: Likely benign (2). Last evaluated 2026-01-05.

Allele frequency attached by ClinVar (database versions not stated): ExAC 0.00042; 1000 Genomes Project 30x 0.00125; 1000 Genomes Project 0.00140; TOPMed 0.00143; ESP Exome Variant Server 0.00223.
gnomAD v4.1: 291 of 1,613,032 alleles (0.018%); highest among the groups gnomAD compares: African/African-American, 0.33%; no homozygotes.

Submissions (2):

Labcorp Genetics (formerly Invitae), Labcorp
Classification: Likely benign. Last evaluated: 2026-01-05. Review status: criteria provided, single submitter. Criteria: Invitae Variant Classification Sherloc (09022015). Collection method: clinical testing. Allele origin: germline.

Women's Health and Genetics/Laboratory Corporation of America, LabCorp
Classification: Likely benign. Last evaluated: 2025-03-21. Review status: criteria provided, single submitter. Criteria: LabCorp Variant Classification Summary - May 2015. Collection method: clinical testing. Allele origin: germline.
Comment: Variant summary: DNASE1L3 c.495C>G (p.Ile165Met) results in a conservative amino acid change in the encoded protein sequence. Four of five in-silico tools predict a benign effect of the variant on protein function. The variant allele was found at a frequency of 0.00029 in 250704 control chromosomes, predominantly at a frequency of 0.0035 within the African or African-American subpopulation in the gnomAD database. The observed variant frequency within African or African-American control individuals in the gnomAD database is approximately 3 fold of the estimated maximal expected allele frequency for a pathogenic variant in DNASE1L3 causing Autosomal systemic lupus erythematosus type 16 phenotype (0.0011). To our knowledge, no occurrence of c.495C>G in individuals affected with Autosomal systemic lupus erythematosus type 16 and no experimental evidence demonstrating its impact on protein function have been reported. ClinVar contains an entry for this variant (Variation ID: 732365). Based on the evidence outlined above, the variant was classified as likely benign.